The following is an entry in ClinVar:

ClinVar aggregate classification (germline): Uncertain significance (1 of 4 stars; one submission).

Submission:

Labcorp Genetics (formerly Invitae), Labcorp
Classification: Uncertain significance. Last evaluated: 2025-10-26. Review status: criteria provided, single submitter. Criteria: Invitae Variant Classification Sherloc (09022015). Collection method: clinical testing. Allele origin: germline.
Comment: This sequence change replaces lysine, which is basic and polar, with methionine, which is neutral and non-polar, at codon 715 of the PTPN23 protein (p.Lys715Met). This variant is present in population databases (no rsID available, gnomAD 0.06%). This variant has not been reported in the literature in individuals affected with PTPN23-related conditions. ClinVar contains an entry for this variant (Variation ID: 1376570). Experimental studies and prediction algorithms are not available or were not evaluated, and the functional significance of this variant is currently unknown. In summary, the available evidence is currently insufficient to determine the role of this variant in disease. Therefore, it has been classified as a Variant of Uncertain Significance.

NM_015466.4(PTPN23):c.2144A>T (p.Lys715Met)

Gene: PTPN23 (protein tyrosine phosphatase non-receptor type 23; plus strand). Cytogenetic location: 3p21.31.
Variant type: single nucleotide variant.
Coding change: c.2144A>T on transcript NM_015466.4 (MANE Select); coding-DNA position 2144, A replaced by T.
Protein change: p.Lys715Met; replaces lysine 715 with methionine.
Molecular consequence: missense variant.
Genome position (GRCh38, 1-based): chr3:47,409,942, A>T. VCF-style: chr3-47409942-A-T. GRCh37 (hg19) VCF-style: chr3-47451432-A-T.
Other names: c.1766A>T, p.Lys589Met (NM_001304482.2); short protein forms K715M, K589M.
Identifiers: ClinVar variation 1376570 (VCV001376570.5), dbSNP rs763745936, ClinGen allele CA352557406.